The following is an entry in ClinVar:

NM_001330078.2(NRXN1):c.1489A>T (p.Asn497Tyr)

Gene: NRXN1 (neurexin 1; minus strand). Cytogenetic location: 2p16.3.
Variant type: single nucleotide variant.
Coding change: c.1489A>T on transcript NM_001330078.2 (MANE Select); coding-DNA position 1489, A replaced by T.
Protein change: p.Asn497Tyr; replaces asparagine 497 with tyrosine.
Molecular consequence: missense variant.
Genome position (GRCh38, 1-based): chr2:50,552,857, T>A on the plus strand (A>T on the coding strand, the complement: NRXN1 is on the minus strand). VCF-style: chr2-50552857-T-A. GRCh37 (hg19) VCF-style: chr2-50779995-T-A.
Other names: c.1609A>T, p.Asn537Tyr (NM_001135659.3); c.1465A>T, p.Asn489Tyr (NM_001330077.2, NM_001330082.2, NM_001330095.2); c.1450A>T, p.Asn484Tyr (NM_001330083.2, NM_001330084.2); c.1489A>T, p.Asn497Tyr (NM_001330085.2, NM_001330086.2, NM_004801.6); c.1405A>T, p.Asn469Tyr (NM_001330087.2, NM_001330096.2); c.1435A>T, p.Asn479Tyr (NM_001330088.2); c.1486A>T, p.Asn496Tyr (NM_001330093.2); c.1477A>T, p.Asn493Tyr (NM_001330094.2); short protein forms N496Y, N469Y, N484Y, N497Y, N537Y, N479Y, N489Y, N493Y.
Identifiers: ClinVar variation 2817033 (VCV002817033.3), dbSNP rs2465828831, ClinGen allele CA346773840.

ClinVar aggregate classification (germline): Uncertain significance (1 of 4 stars; one submission).

Conditions:
Pitt-Hopkins-like syndrome 2 (PTHSL2). Identifiers: Orphanet 221150, Orphanet 600663, MedGen C3280479, MONDO:0013690, OMIM 614325.

Submission:

Labcorp Genetics (formerly Invitae), Labcorp
Classification: Uncertain significance for Pitt-Hopkins-like syndrome 2. Last evaluated: 2025-02-24. Review status: criteria provided, single submitter. Criteria: Invitae Variant Classification Sherloc (09022015). Collection method: clinical testing. Allele origin: germline.
Comment: This sequence change replaces asparagine, which is neutral and polar, with tyrosine, which is neutral and polar, at codon 537 of the NRXN1 protein (p.Asn537Tyr). This variant is not present in population databases (gnomAD no frequency). This variant has not been reported in the literature in individuals affected with NRXN1-related conditions. ClinVar contains an entry for this variant (Variation ID: 2817033). Invitae Evidence Modeling of protein sequence and biophysical properties (such as structural, functional, and spatial information, amino acid conservation, physicochemical variation, residue mobility, and thermodynamic stability) indicates that this missense variant is not expected to disrupt NRXN1 protein function with a negative predictive value of 80%. In summary, the available evidence is currently insufficient to determine the role of this variant in disease. Therefore, it has been classified as a Variant of Uncertain Significance.